The following is an entry in ClinVar:

NM_001378454.1(ALMS1):c.9511C>G (p.Pro3171Ala)

Gene: ALMS1 (ALMS1 centrosome and basal body associated protein; plus strand). Cytogenetic location: 2p13.1.
Variant type: single nucleotide variant.
Coding change: c.9511C>G on transcript NM_001378454.1 (MANE Select); coding-DNA position 9511, C replaced by G.
Protein change: p.Pro3171Ala; replaces proline 3171 with alanine.
Molecular consequence: missense variant.
Genome position (GRCh38, 1-based): chr2:73,491,470, C>G. VCF-style: chr2-73491470-C-G. GRCh37 (hg19) VCF-style: chr2-73718597-C-G.
Other names: c.9514C>G, p.Pro3172Ala (NM_015120.4); short protein forms P3171A, P3172A.
Identifiers: ClinVar variation 1767230 (VCV001767230.7), dbSNP rs756554048, ClinGen allele CA1714673.

ClinVar aggregate classification (germline): Uncertain significance. Review status: criteria provided, multiple submitters, no conflicts (2 of 4 stars). 4 submissions from 4 submitters: Uncertain significance (4). Last evaluated 2026-08-01.

Conditions:
Cardiovascular phenotype. Identifiers: MedGen CN230736.
Alstrom syndrome (ALMS). Identifiers: Orphanet 64, MedGen C0268425, MONDO:0008763, OMIM 203800.

Allele frequency attached by ClinVar (database versions not stated): gnomAD exomes 0.00002; TOPMed 0.00003; ExAC 0.00005.
gnomAD v4.1: 14 of 1,614,028 alleles (0.00087%); highest among the groups gnomAD compares: Admixed American, 0.023%; no homozygotes.

Submissions (4):

GeneDx
Classification: Uncertain significance. Last evaluated: 2026-08-01. Review status: criteria provided, single submitter. Criteria: GeneDx Variant Classification Process June 2021. Collection method: clinical testing. Allele origin: germline.
Comment: In silico analysis supports that this missense variant has a deleterious effect on protein structure/function; Has not been previously published as pathogenic or benign to our knowledge

Blueprint Genetics
Classification: Uncertain significance. Last evaluated: 2023-01-24. Review status: criteria provided, single submitter. Criteria: ACMG Guidelines, 2015. Collection method: clinical testing. Allele origin: germline.

Labcorp Genetics (formerly Invitae), Labcorp
Classification: Uncertain significance for Alstrom syndrome. Last evaluated: 2022-07-26. Review status: criteria provided, single submitter. Criteria: Invitae Variant Classification Sherloc (09022015). Collection method: clinical testing. Allele origin: germline.
Comment: This sequence change replaces proline, which is neutral and non-polar, with alanine, which is neutral and non-polar, at codon 3172 of the ALMS1 protein (p.Pro3172Ala). This variant is present in population databases (rs756554048, gnomAD 0.04%). This variant has not been reported in the literature in individuals affected with ALMS1-related conditions. Experimental studies and prediction algorithms are not available or were not evaluated, and the functional significance of this variant is currently unknown. In summary, the available evidence is currently insufficient to determine the role of this variant in disease. Therefore, it has been classified as a Variant of Uncertain Significance.

Ambry Genetics
Classification: Uncertain significance for Cardiovascular phenotype. Last evaluated: 2021-10-14. Review status: criteria provided, single submitter. Criteria: Ambry Variant Classification Scheme 2023. Collection method: clinical testing. Allele origin: germline.
Comment: The p.P3172A variant (also known as c.9514C>G), located in coding exon 10 of the ALMS1 gene, results from a C to G substitution at nucleotide position 9514. The proline at codon 3172 is replaced by alanine, an amino acid with highly similar properties. This amino acid position is highly conserved in available vertebrate species. In addition, this alteration is predicted to be tolerated by in silico analysis. Since supporting evidence is limited at this time, the clinical significance of this alteration remains unclear.